The following is an entry in ClinVar:

ClinVar aggregate classification (germline): Uncertain significance. Review status: criteria provided, multiple submitters, no conflicts (2 of 4 stars). 3 submissions from 3 submitters: Uncertain significance (3). Last evaluated 2025-05-11.

Conditions:
Inborn genetic diseases. Identifiers: MedGen C0950123, MeSH D030342.

Allele frequency attached by ClinVar (database versions not stated): gnomAD 0.00003; gnomAD exomes 0.00005; ESP Exome Variant Server 0.00008; ExAC 0.00011.
gnomAD v4.1: 69 of 1,613,964 alleles (0.0043%); highest among the groups gnomAD compares: South Asian, 0.0099%; 1 homozygote.

Submissions (3):

Labcorp Genetics (formerly Invitae), Labcorp
Classification: Uncertain significance. Last evaluated: 2025-05-11. Review status: criteria provided, single submitter. Criteria: Invitae Variant Classification Sherloc (09022015). Collection method: clinical testing. Allele origin: germline.
Comment: This sequence change replaces arginine, which is basic and polar, with histidine, which is basic and polar, at codon 181 of the ETV6 protein (p.Arg181His). This variant is present in population databases (rs150089916, gnomAD 0.02%). This missense change has been observed in individual(s) with ETV6-related conditions (PMID: 26102509, 26522332). ClinVar contains an entry for this variant (Variation ID: 2137298). Invitae Evidence Modeling of protein sequence and biophysical properties (such as structural, functional, and spatial information, amino acid conservation, physicochemical variation, residue mobility, and thermodynamic stability) indicates that this missense variant is not expected to disrupt ETV6 protein function with a negative predictive value of 80%. Experimental studies have shown that this missense change does not substantially affect ETV6 function (PMID: 26102509, 26522332). In summary, the available evidence is currently insufficient to determine the role of this variant in disease. Therefore, it has been classified as a Variant of Uncertain Significance.

Ambry Genetics
Classification: Uncertain significance for Inborn genetic diseases. Last evaluated: 2024-08-23. Review status: criteria provided, single submitter. Criteria: Ambry Variant Classification Scheme 2023. Collection method: clinical testing. Allele origin: germline.
Comment: The p.R181H variant (also known as c.542G>A), located in coding exon 5 of the ETV6 gene, results from a G to A substitution at nucleotide position 542. The arginine at codon 181 is replaced by histidine, an amino acid with highly similar properties. This amino acid position is highly conserved in available vertebrate species. In addition, this alteration is predicted to be tolerated by in silico analysis. Based on the available evidence, the clinical significance of this variant remains unclear.

GeneDx
Classification: Uncertain significance. Last evaluated: 2023-08-16. Review status: criteria provided, single submitter. Criteria: GeneDx Variant Classification Process June 2021. Collection method: clinical testing. Allele origin: germline. Affected: yes.
Comment: In silico analysis supports that this missense variant does not alter protein structure/function; Published functional studies suggest no damaging effect: in vitro functional analysis suggests variant p.R181H does not affect ETV6 function (Topka et al., 2015; Nishii et al., 2021); Observed in an individual with childhood acute lymphoblastic leukaemia (ALL) (Topka et al., 2015); This variant is associated with the following publications: (PMID: JosephV2015[Poster], 26102509, 28555414, 28637624, KansalR2021[article], 32693409, 33692849, 26522332)

Literature cited by the submitters: PubMed 26102509 (cited by Labcorp Genetics (formerly Invitae), Labcorp); PubMed 26522332 (cited by Labcorp Genetics (formerly Invitae), Labcorp).

NM_001987.5(ETV6):c.542G>A (p.Arg181His)

Gene: ETV6 (ETS variant transcription factor 6; plus strand). Cytogenetic location: 12p13.2.
Variant type: single nucleotide variant.
Coding change: c.542G>A on transcript NM_001987.5 (MANE Select); coding-DNA position 542, G replaced by A.
Protein change: p.Arg181His; replaces arginine 181 with histidine.
Molecular consequence: missense variant.
Genome position (GRCh38, 1-based): chr12:11,869,502, G>A. VCF-style: chr12-11869502-G-A. GRCh37 (hg19) VCF-style: chr12-12022436-G-A.
Other names: c.539G>A, p.Arg180His (NM_001413913.1); c.515G>A, p.Arg172His (NM_001413914.1); c.278G>A, p.Arg93His (NM_001413915.1); c.542G>A, p.Arg181His (NM_001413916.1, NM_001413917.1); short protein forms R172H, R180H, R93H, R181H.
Identifiers: ClinVar variation 2137298 (VCV002137298.6), dbSNP rs150089916, ClinGen allele CA6454276.